The following is an entry in ClinVar:

ClinVar aggregate classification (germline): Uncertain significance. Review status: criteria provided, multiple submitters, no conflicts (2 of 4 stars). 5 submissions from 5 submitters: Uncertain significance (3). 2 of the submissions do not count toward it. Last evaluated 2025-12-24.

Conditions:
Retinitis pigmentosa (RP). Identifiers: Orphanet 791, MedGen C0035334, MeSH D012174, MONDO:0019200, OMIM 268000. Inheritance: Autosomal dominant, autosomal recessive and X linked inheritance.
Retinitis pigmentosa 26 (RP26). Identifiers: Orphanet 791, MedGen C1842127, MONDO:0012024, OMIM 608380.

Allele frequency attached by ClinVar (database versions not stated): gnomAD exomes below 0.00001 and 0.00001; gnomAD 0.00001; TOPMed 0.00001; ExAC 0.00002.

Submissions (5):

Labcorp Genetics (formerly Invitae), Labcorp
Classification: Uncertain significance. Last evaluated: 2025-12-24. Review status: criteria provided, single submitter. Criteria: Invitae Variant Classification Sherloc (09022015). Collection method: clinical testing. Allele origin: germline.
Comment: This sequence change falls in intron 3 of the CERKL gene. It does not directly change the encoded amino acid sequence of the CERKL protein. It affects a nucleotide within the consensus splice site. This variant is present in population databases (rs766131721, gnomAD 0.002%). This variant has been observed in individual(s) with retinitis pigmentosa (PMID: 28041643). ClinVar contains an entry for this variant (Variation ID: 438055). Variants that disrupt the consensus splice site are a relatively common cause of aberrant splicing (PMID: 17576681, 9536098). Algorithms developed to predict the effect of sequence changes on RNA splicing suggest that this variant may disrupt the consensus splice site. In summary, the available evidence is currently insufficient to determine the role of this variant in disease. Therefore, it has been classified as a Variant of Uncertain Significance.

Myriad Genetics, Inc.
Classification: Uncertain significance for Retinitis pigmentosa 26. Last evaluated: 2025-08-21. Review status: criteria provided, single submitter. Criteria: Myriad Autosomal Dominant, Autosomal Recessive and X-Linked Classification Criteria (2023). Collection method: clinical testing. Allele origin: unknown.
Comment: NM_001030311.2(CERKL):c.613+4_613+5delAG is an intronic variant classified as a variant of uncertain significance in the context of retinitis pigmentosa, CERKL-related. c.613+4_613+5delAG has been observed in a case with relevant disease (PMID: 28041643). Relevant functional assessments of this variant are not available in the literature. c.613+4_613+5delAG has not been observed in referenced population frequency databases. In summary, there is insufficient evidence to classify NM_001030311.2(CERKL):c.613+4_613+5delAG as pathogenic or benign. Please note: this variant was assessed in the context of healthy population screening.

Blueprint Genetics
Classification: Uncertain significance. Last evaluated: 2022-11-06. Review status: criteria provided, single submitter. Criteria: ACMG Guidelines, 2015. Collection method: clinical testing. Allele origin: germline.

Counsyl
Classification: Uncertain significance for Retinitis pigmentosa 26. Last evaluated: 2018-01-19. Review status: no assertion criteria provided. Collection method: clinical testing. Allele origin: unknown. Not counted in ClinVar's aggregate classification.

NIHR Bioresource Rare Diseases, University of Cambridge
Classification: Likely pathogenic for Retinitis pigmentosa. Last evaluated: 2015-01-01. Review status: no assertion criteria provided. Collection method: research. Allele origin: unknown. Affected: yes. Observed: 1 variant allele. Not counted in ClinVar's aggregate classification.

Literature cited by the submitters: PubMed 28041643 (cited by 4 submitters); PubMed 17576681 (cited by Labcorp Genetics (formerly Invitae), Labcorp); PubMed 9536098 (cited by Labcorp Genetics (formerly Invitae), Labcorp).

NM_201548.5(CERKL):c.613+4_613+5del

Gene: CERKL (CERK like autophagy regulator; minus strand). Cytogenetic location: 2q31.3.
Variant type: Deletion.
Coding change: c.613+4_613+5del on transcript NM_201548.5 (MANE Select); bases 4 to 5 of the intron after coding-DNA position 613, 2 bases deleted (AG; older notation c.613+4_613+5delAG).
Molecular consequence: intron variant.
Genome position (GRCh38, 1-based): chr2:181,573,748-181,573,749, CT deleted on the plus strand (AG on the coding strand, the reverse complement: CERKL is on the minus strand). VCF-style (leftmost placement, unchanged base first): chr2-181573747-ACT-A. GRCh37 (hg19) VCF-style: chr2-182438474-ACT-A.
Other names: c.482-24041_482-24040del (NM_001030312.3); c.482-7628_482-7627del (NM_001160277.2); c.613+4_613+5del (NM_001030313.3, NM_001030311.3); c.613+4_613+5delAG (NM_001030311.2).
Identifiers: ClinVar variation 438055 (VCV000438055.11), dbSNP rs766131721, ClinGen allele CA2010772.
Genomic context (GRCh38, chr2:181,573,747, plus strand): 5'-AATTCAGATTATTTTGCTTTTGTATGTTTTTGTAGATGGTGAAATTATATTCTGAAAATT[ACT>A]TACTTGTTACATCAGTTTTTATTCCTGCAAGCTTCAACAGAGGTTCAACCTTCTCATAAT-3'